The following is an entry in ClinVar:

NM_000350.3(ABCA4):c.2884C>T (p.Leu962=)

Gene: ABCA4 (ATP binding cassette subfamily A member 4; minus strand). Cytogenetic location: 1p22.1.
Variant type: single nucleotide variant.
Coding change: c.2884C>T on transcript NM_000350.3 (MANE Select); coding-DNA position 2884, C replaced by T.
Protein change: p.Leu962=; no amino-acid change (leucine 962 retained).
Molecular consequence: synonymous variant.
Genome position (GRCh38, 1-based): chr1:94,046,953, G>A on the plus strand (C>T on the coding strand, the complement: ABCA4 is on the minus strand). VCF-style: chr1-94046953-G-A. GRCh37 (hg19) VCF-style: chr1-94512509-G-A.
Other names: NM_000350.3(ABCA4):c.2884C>T; p.Leu962=; c.2662C>T, p.Leu888= (NM_001425324.1).
Identifiers: ClinVar variation 1658090 (VCV001658090.12), dbSNP rs774598114, ClinGen allele CA958126.
Genomic context (GRCh38, chr1:94,046,953, plus strand): 5'-GCCAGCTTCTCTGCTGGAAGACTCACAAGGTGGTGGTTTTCCCAGCTCCATTGTGGCCCA[G>A]GAATGCGGTGATCTGGTTCTCGTAGAAGGTGATGTTCAGACGGTCCACAGCTGGCCGGCC-3'
Protein context (NP_000341.2, residues 952-972): TFYENQITAF[Leu962=]GHNGAGKTTT

ClinVar aggregate classification (germline): Likely benign. Review status: reviewed by expert panel (3 of 4 stars). 4 submissions from 4 submitters: Likely benign (1). 3 of the submissions do not count toward it. Last evaluated 2026-05-26.

Conditions:
ABCA4-related disorder. Also called: ABCA4-related disorders; ABCA4-related condition. Identifiers: MedGen CN239167.
ABCA4-related retinopathy. Also called: ABCA4 retinoapthy; ABCA4-related retinoapthy. Identifiers: MedGen CN322612, MONDO:0800406.

Allele frequency attached by ClinVar (database versions not stated): gnomAD 0.00001 and 0.00002; gnomAD exomes 0.00002 and 0.00016; TOPMed 0.00009; ExAC 0.00014.
gnomAD v4.1: 33 of 1,614,076 alleles (0.002%); highest among the groups gnomAD compares: East Asian, 0.067%; no homozygotes.

Submissions (4):

ClinGen ABCA4 Variant Curation Expert Panel, Clingen
Classification: Likely benign for ABCA4-related retinopathy. Last evaluated: 2026-05-26. Review status: reviewed by expert panel. Criteria: ClinGen ABCA4 ACMG Specifications V1.0.0. Collection method: curation. Allele origin: germline. Inheritance: Autosomal recessive inheritance.
Comment: The NM_000350.3(ABCA4):c.2884C>T is a synonymous variant, p.Leu962=. This variant has a total MAF in gnomAD v4.1.0 of 0.00002045 (33/1614076 alleles) meeting PM2_Supporting. The computational splicing predictor SpliceAI gives this synonymous variant a delta score of 0.01 for donor loss which is below the ClinGen ABCA4 VCEP BP7 threshold of <0.1 and does not strongly predict a splicing defect meeting BP7_Moderate. In summary, this variant meets the criteria to be classified as likely benign for ABCA4-related retinopathy based on the ACMG/AMP criteria applied, as specified by the ClinGen ABCA4 VCEP (Specification Version 1.0.0): BP7_Moderate, PM2_Supporting.

Labcorp Genetics (formerly Invitae), Labcorp
Classification: Benign. Last evaluated: 2025-04-19. Review status: criteria provided, single submitter. Criteria: Invitae Variant Classification Sherloc (09022015). Collection method: clinical testing. Allele origin: germline. Not counted in ClinVar's aggregate classification.

Blueprint Genetics
Classification: Likely benign. Last evaluated: 2021-12-20. Review status: criteria provided, single submitter. Criteria: ACMG Guidelines, 2015. Collection method: clinical testing. Allele origin: germline. Not counted in ClinVar's aggregate classification.

PreventionGenetics, part of Exact Sciences
Classification: Likely benign for ABCA4-related condition. Last evaluated: 2021-01-22. Review status: no assertion criteria provided. Collection method: clinical testing. Allele origin: germline. Not counted in ClinVar's aggregate classification.
Comment: This variant is classified as likely benign based on ACMG/AMP sequence variant interpretation guidelines (Richards et al. 2015 PMID: 25741868, with internal and published modifications).